The following is an entry in ClinVar:

NM_198271.5(LMOD3):c.1139C>T (p.Pro380Leu)

Gene: LMOD3 (leiomodin 3; minus strand). Cytogenetic location: 3p14.1.
Variant type: single nucleotide variant.
Coding change: c.1139C>T on transcript NM_198271.5 (MANE Select); coding-DNA position 1139, C replaced by T.
Protein change: p.Pro380Leu; replaces proline 380 with leucine.
Molecular consequence: missense variant.
Genome position (GRCh38, 1-based): chr3:69,119,216, G>A on the plus strand (C>T on the coding strand, the complement: LMOD3 is on the minus strand). VCF-style: chr3-69119216-G-A. GRCh37 (hg19) VCF-style: chr3-69168367-G-A.
Other names: c.1139C>T, p.Pro380Leu (NM_001304418.3); short protein forms P380L.
Identifiers: ClinVar variation 475295 (VCV000475295.4), dbSNP rs765223466, ClinGen allele CA2488854.

ClinVar aggregate classification (germline): Uncertain significance (1 of 4 stars; one submission).

Conditions:
Nemaline myopathy 10 (NEM10). Identifiers: MedGen C4015360, MONDO:0014513, OMIM 616165.

Allele frequency attached by ClinVar (database versions not stated): ExAC 0.00002; gnomAD 0.00002; gnomAD exomes 0.00002; TOPMed 0.00002.
gnomAD v4.1: 22 of 1,613,510 alleles (0.0014%); highest among the groups gnomAD compares: East Asian, 0.0045%; no homozygotes.

Submission:

Labcorp Genetics (formerly Invitae), Labcorp
Classification: Uncertain significance for Nemaline myopathy 10. Last evaluated: 2022-08-17. Review status: criteria provided, single submitter. Criteria: Invitae Variant Classification Sherloc (09022015). Collection method: clinical testing. Allele origin: germline.
Comment: In summary, the available evidence is currently insufficient to determine the role of this variant in disease. Therefore, it has been classified as a Variant of Uncertain Significance. Algorithms developed to predict the effect of missense changes on protein structure and function (SIFT, PolyPhen-2, Align-GVGD) all suggest that this variant is likely to be disruptive. This sequence change replaces proline, which is neutral and non-polar, with leucine, which is neutral and non-polar, at codon 380 of the LMOD3 protein (p.Pro380Leu). This variant is present in population databases (rs765223466, gnomAD 0.006%). This variant has not been reported in the literature in individuals affected with LMOD3-related conditions. ClinVar contains an entry for this variant (Variation ID: 475295).